The following is an entry in ClinVar:

NM_000393.5(COL5A2):c.727G>C (p.Gly243Arg)

Gene: COL5A2 (collagen type V alpha 2 chain; minus strand). Cytogenetic location: 2q32.2.
Variant type: single nucleotide variant.
Coding change: c.727G>C on transcript NM_000393.5 (MANE Select); coding-DNA position 727, G replaced by C.
Protein change: p.Gly243Arg; replaces glycine 243 with arginine.
Molecular consequence: missense variant.
Genome position (GRCh38, 1-based): chr2:189,085,736, C>G on the plus strand (G>C on the coding strand, the complement: COL5A2 is on the minus strand). VCF-style: chr2-189085736-C-G. GRCh37 (hg19) VCF-style: chr2-189950462-C-G.
Other names: short protein forms G243R.
Identifiers: ClinVar variation 2722189 (VCV002722189.3), dbSNP rs2469357063, ClinGen allele CA349858585.

ClinVar aggregate classification (germline): Uncertain significance (1 of 4 stars; one submission).

Conditions:
Ehlers-Danlos syndrome, classic type, 1 (EDSCL1). Also called: EHLERS-DANLOS SYNDROME, GRAVIS TYPE; EHLERS-DANLOS SYNDROME, SEVERE CLASSIC TYPE; Ehlers-Danlos syndrome, type 1; Ehlers-Danlos Syndrome, Classic Type, COL5A1-Related; EDS I. Identifiers: MedGen C0268335, MONDO:0019567, OMIM 130000.

Submission:

Labcorp Genetics (formerly Invitae), Labcorp
Classification: Uncertain significance for Ehlers-Danlos syndrome, classic type, 1. Last evaluated: 2023-06-21. Review status: criteria provided, single submitter. Criteria: Invitae Variant Classification Sherloc (09022015). Collection method: clinical testing. Allele origin: germline.
Comment: This sequence change replaces glycine, which is neutral and non-polar, with arginine, which is basic and polar, at codon 243 of the COL5A2 protein (p.Gly243Arg). This variant is not present in population databases (gnomAD no frequency). This variant has not been reported in the literature in individuals affected with COL5A2-related conditions. Advanced modeling of protein sequence and biophysical properties (such as structural, functional, and spatial information, amino acid conservation, physicochemical variation, residue mobility, and thermodynamic stability) performed at Invitae indicates that this missense variant is expected to disrupt COL5A2 protein function. In summary, the available evidence is currently insufficient to determine the role of this variant in disease. Therefore, it has been classified as a Variant of Uncertain Significance.